The following is an entry in ClinVar:

NM_016263.4(FZR1):c.1036A>C (p.Ser346Arg)

Gene: FZR1 (fizzy and cell division cycle 20 related 1; plus strand). Cytogenetic location: 19p13.3.
Variant type: single nucleotide variant.
Coding change: c.1036A>C on transcript NM_016263.4 (MANE Select); coding-DNA position 1036, A replaced by C.
Protein change: p.Ser346Arg; replaces serine 346 with arginine.
Molecular consequence: missense variant.
Genome position (GRCh38, 1-based): chr19:3,532,444, A>C. VCF-style: chr19-3532444-A-C. GRCh37 (hg19) VCF-style: chr19-3532442-A-C.
Other names: c.769A>C, p.Ser257Arg (NM_001136197.1); c.1036A>C, p.Ser346Arg (NM_001136198.1); short protein forms S257R, S346R.
Identifiers: ClinVar variation 5009748 (VCV005009748.1).
Genomic context (GRCh38, chr19:3,532,444, plus strand): 5'-GACAGCCCCGGCCTCACAGCCCCTGTCCCCCAGCTGCTGGTCTGGAATCACTCGAGCCTG[A>C]GCCCCGTGCAGCAGTACACGGAGCACCTGGCGGCCGTGAAGGCCATCGCCTGGTCCCCAC-3'
Protein context (NP_057347.2, residues 336-356): KLLVWNHSSL[Ser346Arg]PVQQYTEHLA

ClinVar aggregate classification (germline): Uncertain significance (1 of 4 stars; one submission).

Submission:

GeneDx
Classification: Uncertain significance. Last evaluated: 2026-02-18. Review status: criteria provided, single submitter. Criteria: GeneDx Variant Classification Process June 2021. Collection method: clinical testing. Allele origin: germline.
Comment: Not observed at significant frequency in large population cohorts (gnomAD); In silico analysis suggests that this missense variant does not alter protein structure/function; Has not been previously published as pathogenic or benign to our knowledge; In silico analysis suggests this variant may impact gene splicing. In the absence of RNA/functional studies, the actual effect of this sequence change is unknown.